The following is an entry in ClinVar:

ClinVar aggregate classification (germline): Pathogenic/Likely pathogenic. Review status: criteria provided, multiple submitters, no conflicts (2 of 4 stars). 9 submissions from 9 submitters: Pathogenic (7); Likely pathogenic (1). 1 of the submissions does not count toward it. Last evaluated 2025-03-07.

Conditions:
Cockayne syndrome type 2 (CSB). Also called: Cockayne Syndrome, Type II; COCKAYNE SYNDROME B. Identifiers: Orphanet 191, Orphanet 90322, MedGen C0751038, MONDO:0019570, OMIM 133540.
Cockayne spectrum with or without cerebrooculofacioskeletal syndrome. Identifiers: MedGen CN315928, MONDO:0100506.
Cerebrooculofacioskeletal syndrome 1 (COFS1). Also called: Cerebro-oculo-facio-skeletal syndrome 1. Identifiers: MedGen C0220722, MONDO:0008955, OMIM 214150.
DE SANCTIS-CACCHIONE SYNDROME. Identifiers: MedGen C0265201, MONDO:0010217, OMIM 278800.

Allele frequency attached by ClinVar (database versions not stated): TOPMed below 0.00001; gnomAD exomes 0.00002; ExAC 0.00003.
gnomAD v4.1: 13 of 1,613,912 alleles (0.00081%); highest among the groups gnomAD compares: Middle Eastern, 0.017%; no homozygotes.

Submissions (9):

Myriad Genetics, Inc.
Classification: Pathogenic for Cockayne spectrum with or without cerebrooculofacioskeletal syndrome. Last evaluated: 2025-03-07. Review status: criteria provided, single submitter. Criteria: Myriad Autosomal Dominant, Autosomal Recessive and X-Linked Classification Criteria (2023). Collection method: clinical testing. Allele origin: unknown.
Comment: NM_000124.2(ERCC6):c.4063-1G>C is a variant in a canonical splice site classified as pathogenic in the context of ERCC6-related disorders. c.4063-1G>C has been observed in cases with relevant disease (PMID: 35568357, 31069529, 19894250, 29572252, 37012327). Relevant functional assessments of this variant are not available in the literature. Internal structural analysis of the variant is supportive of pathogenicity. c.4063-1G>C has been observed in referenced population frequency databases. In summary, NM_000124.2(ERCC6):c.4063-1G>C is a variant in a canonical splice site that has internal structural support for pathogenicity and has been observed more frequently in cases with the relevant disease than in healthy populations. Please note: this variant was assessed in the context of healthy population screening.

Revvity Omics, Revvity
Classification: Pathogenic. Last evaluated: 2024-07-11. Review status: criteria provided, single submitter. Criteria: ACMG Guidelines, 2015. Collection method: clinical testing. Allele origin: germline.

Neuberg Centre For Genomic Medicine, NCGM
Classification: Pathogenic for Cockayne syndrome type 2. Last evaluated: 2023-06-22. Review status: criteria provided, single submitter. Criteria: ACMG Guidelines, 2015. Collection method: clinical testing. Allele origin: germline. Inheritance: Autosomal recessive inheritance. Affected: yes.
Comment: The splice acceptor variant c.4063-1G>C in the ERCC6 gene has been reported previously in homozygous state in individuals affected with Cockayne syndrome (Calmels et al., 2018; Laugel et al., 2010). This sequence change affects an acceptor splice site in intron 20 of the ERCC6 gene. This variant is reported with the allele frequency (0.002%) in the gnomAD Exomes. It is submitted to ClinVar as Pathogenic/ Likely Pathogenic. However study on multiple affected individuals and functional studies on the pathogenicity of the variant is unavailable. For these reasons, this variant has been classified as Pathogenic.

Labcorp Genetics (formerly Invitae), Labcorp
Classification: Pathogenic. Last evaluated: 2023-05-13. Review status: criteria provided, single submitter. Criteria: Invitae Variant Classification Sherloc (09022015). Collection method: clinical testing. Allele origin: germline.
Comment: For these reasons, this variant has been classified as Pathogenic. Variants that disrupt the consensus splice site are a relatively common cause of aberrant splicing (PMID: 17576681, 9536098). Algorithms developed to predict the effect of sequence changes on RNA splicing suggest that this variant may disrupt the consensus splice site. ClinVar contains an entry for this variant (Variation ID: 549960). Disruption of this splice site has been observed in individuals with Cockayne syndrome (PMID: 19894250, 29572252). This variant is present in population databases (rs766980240, gnomAD 0.02%). This sequence change affects an acceptor splice site in intron 20 of the ERCC6 gene. While this variant is not anticipated to result in nonsense mediated decay, it likely alters RNA splicing and results in a disrupted protein product.

CeGaT Center for Human Genetics Tuebingen
Classification: Likely pathogenic. Last evaluated: 2019-11-01. Review status: criteria provided, single submitter. Criteria: CeGaT Center For Human Genetics Tuebingen Variant Classification Criteria Version 2. Collection method: clinical testing. Allele origin: germline. Affected: yes. Observed: 4 variant alleles.

Department of Biochemistry, Faculty of Medicine, University of Khartoum
Classification: Pathogenic for Cockayne syndrome type 2. Review status: criteria provided, single submitter. Criteria: ACMG Guidelines, 2015. Collection method: research. Allele origin: biparental. Affected: yes. Observed: 2 variant alleles.

Department of Medical Genetics, Sanjay Gandhi Post Graduate Institute of Medical Sciences
Classification: Pathogenic for Cockayne syndrome type 2. Review status: criteria provided, single submitter. Criteria: ACMG Guidelines, 2015. Collection method: research. Allele origin: germline. Inheritance: Autosomal recessive inheritance. Affected: yes. Observed: 1 homozygote.

Kasturba Medical College, Manipal, Kasturba Medical College, Manipal, Manipal Academy of Higher Education, Manipal, India
Classification: Pathogenic for Cockayne syndrome type 2. Review status: criteria provided, single submitter. Criteria: ACMG Guidelines, 2015. Collection method: clinical testing. Allele origin: germline. Inheritance: Autosomal recessive inheritance. Affected: yes. Observed: 1 homozygote.

Counsyl
Classification: Likely pathogenic for Cockayne syndrome type 2; Cerebrooculofacioskeletal syndrome 1; DE SANCTIS-CACCHIONE SYNDROME. Last evaluated: 2017-07-28. Review status: no assertion criteria provided. Collection method: clinical testing. Allele origin: unknown. Not counted in ClinVar's aggregate classification.

Literature cited by the submitters: PubMed 19894250 (cited by 3 submitters); PubMed 29572252 (cited by 3 submitters); PubMed 31069529 (cited by Myriad Genetics, Inc.); PubMed 35568357 (cited by Myriad Genetics, Inc.); PubMed 37012327 (cited by Myriad Genetics, Inc.); PubMed 17576681 (cited by Labcorp Genetics (formerly Invitae), Labcorp); PubMed 9536098 (cited by Labcorp Genetics (formerly Invitae), Labcorp).

NM_000124.4(ERCC6):c.4063-1G>C

Gene: ERCC6 (ERCC excision repair 6, chromatin remodeling factor; minus strand). Cytogenetic location: 10q11.23.
Variant type: single nucleotide variant.
Coding change: c.4063-1G>C on transcript NM_000124.4 (MANE Select); the canonical splice acceptor site of the intron before coding-DNA position 4063, G replaced by C.
Molecular consequence: splice acceptor variant.
Genome position (GRCh38, 1-based): chr10:49,459,235, C>G on the plus strand (G>C on the coding strand, the complement: ERCC6 is on the minus strand). VCF-style: chr10-49459235-C-G. GRCh37 (hg19) VCF-style: chr10-50667281-C-G.
Other names: c.4063-1G>C (NM_000124.3, NM_001346440.2).
Identifiers: ClinVar variation 549960 (VCV000549960.61), dbSNP rs766980240, ClinGen allele CA5495184.